The following is an entry in ClinVar:

NC_000017.10:g.(602621_613772)_(618097_?)dup

Gene: VPS53 (VPS53 subunit of GARP complex; minus strand). Cytogenetic location: 17p13.3.
Variant type: Duplication.
Identifiers: ClinVar variation 1683281 (VCV001683281.1).

ClinVar aggregate classification (germline): Uncertain significance (1 of 4 stars; one submission).

Submission:

Women's Health and Genetics/Laboratory Corporation of America, LabCorp
Classification: Uncertain significance. Last evaluated: 2022-04-19. Review status: criteria provided, single submitter. Criteria: LabCorp Variant Classification Summary - May 2015. Collection method: clinical testing. Allele origin: germline.
Comment: Variant summary: The variant identified by MLPA or other technology involves the duplication of exons 1-2 in the VPS53 gene. A presumed nomenclature of c.(?_-148)_(168+1_169-1)dup has been designated for the purposes of this classification. It has been assumed that this is a tandem duplication in direct orientation (Richardson_GIM_2018, Newman_AJHG_2015). A variant involving the duplication of exons 1-2 together with a large DNA segment (~ 35 kb) upstream of the gene was found at a frequency of 9.2e-05 in 21694 control chromosomes (gnomAD, Structural Variants dataset). The available data on variant occurrences in the general population are insufficient to allow any conclusion about variant significance. To our knowledge, no occurrence of c.(?_-148)_(168+1_169-1)dup in individuals affected with Pontocerebellar Hypoplasia, Type 2E and no experimental evidence demonstrating its impact on protein function have been reported. No clinical diagnostic laboratories have submitted clinical-significance assessments for this variant to ClinVar after 2014. Based on the evidence outlined above, the variant was classified as uncertain significance.